The following is an entry in ClinVar:

NM_000284.4(PDHA1):c.249dup (p.Gln84fs)

Gene: PDHA1 (pyruvate dehydrogenase E1 subunit alpha 1; plus strand). Cytogenetic location: Xp22.12.
Variant type: Duplication.
Coding change: c.249dup on transcript NM_000284.4 (MANE Select); coding-DNA position 249, one base duplicated (A; older notation c.249dupA).
Protein change: p.Gln84fs; shifts the reading frame from glutamine 84.
Molecular consequence: frameshift variant.
Genome position (GRCh38, 1-based): chrX:19,350,068, A duplicated; the last of 3 consecutive A bases (chrX:19,350,066-19,350,068); duplicating any one gives the same sequence. VCF-style (leftmost placement, unchanged base first): chrX-19350065-T-TA. GRCh37 (hg19) VCF-style: chrX-19368183-T-TA.
Other names: c.363dup, p.Gln122fs (NM_001173454.2); c.249dup, p.Gln84fs (NM_001173455.2, NM_001173456.2); short protein forms Q122fs, Q84fs.
Identifiers: ClinVar variation 4070302 (VCV004070302.1).

ClinVar aggregate classification (germline): Pathogenic (0 of 4 stars; one submission).

Conditions:
Pyruvate dehydrogenase E1-alpha deficiency (PDHAD). Also called: ATAXIA, INTERMITTENT, WITH PYRUVATE DEHYDROGENASE DEFICIENCY; ATAXIA WITH LACTIC ACIDOSIS I; ATAXIA, INTERMITTENT, WITH ABNORMAL PYRUVATE METABOLISM; Ataxia, intermittent, with pyruvate dehydrogenase, or decarboxylase, deficiency. Identifiers: Orphanet 79243, MedGen C1839413, MONDO:0010717, OMIM 312170.

Submission:

PDHA1 Study Group, University Children’s Hospital, Paracelsus Medical University
Classification: Pathogenic for Pyruvate dehydrogenase E1-alpha deficiency. Last evaluated: 2024-10-15. Review status: no assertion criteria provided. Collection method: research. Allele origin: de novo. Affected: yes. Observed: 1 variant allele.
Comment: The NM_000284.3:c.249dup (p.Gln84ThrfsTer12) change is a frameshift variant in PDHA1 gene. This variant is predicted to result in nonsense-mediated decay (NMD). Among them, 1 case had confirmed de novo occurrence. The variant has been reported in 1 published case (PMIDs: 21914562). Last literature search: July 12, 2024. This variant is absent or extremely rare in population-based cohorts in the Genome Aggregation Database (gnomAD). Individuals harboring this variant presented with clinical features compatible with PDHA1-related PDHc deficiency. In summary, this variant meets criteria to be classified as pathogenic (P) for PDHA1-related PDHc deficiency based on the ACMG/AMP criteria applied: PVS1, PS2, PS3, PM2, PM7 (last assessment October 15, 2024).

Literature cited by the submitters: PubMed 21914562; DOI 10.1093/brain/awaf430.